The following is an entry in ClinVar:

ClinVar aggregate classification (germline): Uncertain significance (1 of 4 stars; one submission).

Submission:

Labcorp Genetics (formerly Invitae), Labcorp
Classification: Uncertain significance. Last evaluated: 2022-10-05. Review status: criteria provided, single submitter. Criteria: Invitae Variant Classification Sherloc (09022015). Collection method: clinical testing. Allele origin: germline.
Comment: In summary, the available evidence is currently insufficient to determine the role of this variant in disease. Therefore, it has been classified as a Variant of Uncertain Significance. Advanced modeling of protein sequence and biophysical properties (such as structural, functional, and spatial information, amino acid conservation, physicochemical variation, residue mobility, and thermodynamic stability) performed at Invitae indicates that this missense variant is not expected to disrupt TNNI3K protein function. This variant has not been reported in the literature in individuals affected with TNNI3K-related conditions. This variant is not present in population databases (gnomAD no frequency). This sequence change replaces serine, which is neutral and polar, with asparagine, which is neutral and polar, at codon 305 of the TNNI3K protein (p.Ser305Asn).

NM_015978.3(TNNI3K):c.914G>A (p.Ser305Asn)

Genes: FPGT-TNNI3K (FPGT-TNNI3K readthrough; plus strand), TNNI3K (TNNI3 interacting kinase; plus strand). Cytogenetic location: 1p31.1.
Variant type: single nucleotide variant.
Coding change: c.914G>A on transcript NM_015978.3 (MANE Select); coding-DNA position 914, G replaced by A.
Protein change: p.Ser305Asn; replaces serine 305 with asparagine.
Molecular consequence: missense variant.
Genome position (GRCh38, 1-based): chr1:74,343,161, G>A. VCF-style: chr1-74343161-G-A. GRCh37 (hg19) VCF-style: chr1-74808845-G-A.
Other names: c.1217G>A, p.Ser406Asn (NM_001112808.3, NM_001199327.2); short protein forms S305N, S406N.
Identifiers: ClinVar variation 1719639 (VCV001719639.5), dbSNP rs2524362511, ClinGen allele CA340782431.
Genomic context (GRCh38, chr1:74,343,161, plus strand): 5'-TTGCCAAGGAAATCATCCAAATATCAGGAACAGAAAGTCTGACTAAGGAAAACATCTTCA[G>A]TGAAACAGCTTTTCATAGGTAAAAGAATATTTAAGTGCAATAGCCACTAAACTTAGCTGA-3'
Protein context (NP_057062.1, residues 295-315): TESLTKENIF[Ser305Asn]ETAFHSACTY